The following is an entry in ClinVar:

ClinVar aggregate classification (germline): Pathogenic (1 of 4 stars; one submission).

Submission:

Labcorp Genetics (formerly Invitae), Labcorp
Classification: Pathogenic. Last evaluated: 2022-08-16. Review status: criteria provided, single submitter. Criteria: Invitae Variant Classification Sherloc (09022015). Collection method: clinical testing. Allele origin: germline.
Comment: A gross deletion of the genomic region encompassing the full coding sequence of the SERPINF1 gene has been identified. Loss-of-function variants in SERPINF1 are known to be pathogenic (PMID: 21353196, 21826736). The boundaries of this event are unknown as they extend beyond the assayed region for this gene and therefore may encompass additional genes. This variant has not been reported in the literature in individuals affected with SERPINF1-related conditions. For these reasons, this variant has been classified as Pathogenic.

Literature cited by the submitters: PubMed 21353196; PubMed 21826736.

NC_000017.10:g.(?_422368)_(1945151_?)del

Genes: ABR (ABR activator of RhoGEF and GTPase; minus strand), BHLHA9 (basic helix-loop-helix family member a9; plus strand), CRK (CRK proto-oncogene, adaptor protein; minus strand), DPH1 (diphthamide biosynthesis 1; plus strand), GEMIN4 (gem nuclear organelle associated protein 4; minus strand) and 23 more. Cytogenetic location: 17p13.3.
Variant type: Deletion.
Identifiers: ClinVar variation 2445495 (VCV002445495.1).